The following is an entry in ClinVar:

ClinVar aggregate classification (germline): Uncertain significance (1 of 4 stars; one submission).

Conditions:
Hereditary cancer-predisposing syndrome. Also called: Neoplastic Syndromes, Hereditary; Tumor predisposition; Hereditary neoplastic syndrome; Hereditary Cancer Syndrome. Identifiers: Orphanet 140162, MedGen C0027672, MeSH D009386, MONDO:0015356.
Cardiovascular phenotype. Identifiers: MedGen CN230736.

Submission:

Ambry Genetics
Classification: Uncertain significance for Cardiovascular phenotype; Hereditary cancer-predisposing syndrome. Last evaluated: 2024-03-09. Review status: criteria provided, single submitter. Criteria: Ambry Variant Classification Scheme 2023. Collection method: clinical testing. Allele origin: germline.
Comment: The p.C124F variant (also known as c.371G>T), located in coding exon 4 of the NF1 gene, results from a G to T substitution at nucleotide position 371. The cysteine at codon 124 is replaced by phenylalanine, an amino acid with highly dissimilar properties. This amino acid position is conserved. In addition, this alteration is predicted to be tolerated by in silico analysis. Based on the available evidence, the clinical significance of this alteration remains unclear.

NM_001042492.3(NF1):c.371G>T (p.Cys124Phe)

Gene: NF1 (neurofibromin 1; plus strand). Cytogenetic location: 17q11.2.
Variant type: single nucleotide variant.
Coding change: c.371G>T on transcript NM_001042492.3 (MANE Select); coding-DNA position 371, G replaced by T.
Protein change: p.Cys124Phe; replaces cysteine 124 with phenylalanine.
Molecular consequence: missense variant.
Genome position (GRCh38, 1-based): chr17:31,163,268, G>T. VCF-style: chr17-31163268-G-T. GRCh37 (hg19) VCF-style: chr17-29490286-G-T.
Other names: c.371G>T, p.Cys124Phe (NM_000267.4, NM_001128147.3); short protein forms C124F.
Identifiers: ClinVar variation 3237747 (VCV003237747.1), dbSNP rs2143671902.
Genomic context (GRCh38, chr17:31,163,268, plus strand): 5'-TAGATGAAACGATGCTGGTCAAACAGTTGCTGCCAGAAATCTGCCATTTTCTTCACACCT[G>T]TCGTGAAGGAAACCAGCATGCAGCTGAACTTCGGAATTCTGCCTCTGGGGTTTTATTTTC-3'
Protein context (NP_001035957.1, residues 114-134): LPEICHFLHT[Cys124Phe]REGNQHAAEL